The following is an entry in ClinVar:

ClinVar aggregate classification (germline): Uncertain significance (1 of 4 stars; one submission).

Conditions:
Hereditary cancer-predisposing syndrome. Also called: Neoplastic Syndromes, Hereditary; Hereditary Cancer Syndrome; Hereditary neoplastic syndrome; Tumor predisposition. Identifiers: Orphanet 140162, MedGen C0027672, MeSH D009386, MONDO:0015356.

Submission:

Ambry Genetics
Classification: Uncertain significance for Hereditary cancer-predisposing syndrome. Last evaluated: 2023-05-28. Review status: criteria provided, single submitter. Criteria: Ambry Variant Classification Scheme 2023. Collection method: clinical testing. Allele origin: germline.
Comment: The p.L321F variant (also known as c.961C>T), located in coding exon 7 of the PTCH1 gene, results from a C to T substitution at nucleotide position 961. The leucine at codon 321 is replaced by phenylalanine, an amino acid with highly similar properties. This amino acid position is conserved. In addition, the in silico prediction for this alteration is inconclusive. Since supporting evidence is limited at this time, the clinical significance of this alteration remains unclear.

NM_000264.5(PTCH1):c.961C>T (p.Leu321Phe)

Gene: PTCH1 (patched 1; minus strand). Cytogenetic location: 9q22.32.
Variant type: single nucleotide variant.
Coding change: c.961C>T on transcript NM_000264.5 (MANE Select); coding-DNA position 961, C replaced by T.
Protein change: p.Leu321Phe; replaces leucine 321 with phenylalanine.
Molecular consequence: missense variant. On other transcripts: non-coding transcript variant (1).
Genome position (GRCh38, 1-based): chr9:95,480,075, G>A on the plus strand (C>T on the coding strand, the complement: PTCH1 is on the minus strand). VCF-style: chr9-95480075-G-A. GRCh37 (hg19) VCF-style: chr9-98242357-G-A.
Other names: c.763C>T, p.Leu255Phe (NM_001083602.3); c.958C>T, p.Leu320Phe (NM_001083603.3); c.508C>T, p.Leu170Phe (NM_001083604.3, NM_001083605.3, NM_001083606.3 and 1 more transcripts); c.961C>T, p.Leu321Phe (NM_001354918.2); short protein forms L255F, L320F, L170F, L321F.
Identifiers: ClinVar variation 2564403 (VCV002564403.2), dbSNP rs2118395478, ClinGen allele CA374119793.